The following is an entry in ClinVar:

NM_004836.7(EIF2AK3):c.23G>A (p.Gly8Glu)

Gene: EIF2AK3 (eukaryotic translation initiation factor 2 alpha kinase 3; minus strand). Cytogenetic location: 2p11.2.
Variant type: single nucleotide variant.
Coding change: c.23G>A on transcript NM_004836.7 (MANE Select); coding-DNA position 23, G replaced by A.
Protein change: p.Gly8Glu; replaces glycine 8 with glutamic acid.
Molecular consequence: missense variant.
Genome position (GRCh38, 1-based): chr2:88,627,252, C>T on the plus strand (G>A on the coding strand, the complement: EIF2AK3 is on the minus strand). VCF-style: chr2-88627252-C-T. GRCh37 (hg19) VCF-style: chr2-88926770-C-T.
Other names: short protein forms G8E.
Identifiers: ClinVar variation 1958271 (VCV001958271.5), dbSNP rs2528310191, ClinGen allele CA347763619.

ClinVar aggregate classification (germline): Uncertain significance (1 of 4 stars; one submission).

Submission:

Labcorp Genetics (formerly Invitae), Labcorp
Classification: Uncertain significance. Last evaluated: 2022-04-07. Review status: criteria provided, single submitter. Criteria: Invitae Variant Classification Sherloc (09022015). Collection method: clinical testing. Allele origin: germline.
Comment: This sequence change replaces glycine, which is neutral and non-polar, with glutamic acid, which is acidic and polar, at codon 8 of the EIF2AK3 protein (p.Gly8Glu). This variant is not present in population databases (gnomAD no frequency). This variant has not been reported in the literature in individuals affected with EIF2AK3-related conditions. Algorithms developed to predict the effect of missense changes on protein structure and function are either unavailable or do not agree on the potential impact of this missense change (SIFT: "Tolerated"; PolyPhen-2: "Not Available"; Align-GVGD: "Class C0"). In summary, the available evidence is currently insufficient to determine the role of this variant in disease. Therefore, it has been classified as a Variant of Uncertain Significance.